The following is an entry in ClinVar:

NM_003500.4(ACOX2):c.1889C>G (p.Thr630Ser)

Gene: ACOX2 (acyl-CoA oxidase 2; minus strand). Cytogenetic location: 3p14.3.
Variant type: single nucleotide variant.
Coding change: c.1889C>G on transcript NM_003500.4 (MANE Select); coding-DNA position 1889, C replaced by G.
Protein change: p.Thr630Ser; replaces threonine 630 with serine.
Molecular consequence: missense variant.
Genome position (GRCh38, 1-based): chr3:58,508,987, G>C on the plus strand (C>G on the coding strand, the complement: ACOX2 is on the minus strand). VCF-style: chr3-58508987-G-C. GRCh37 (hg19) VCF-style: chr3-58494714-G-C.
Other names: short protein forms T630S.
Identifiers: ClinVar variation 4766142 (VCV004766142.1).
Genomic context (GRCh38, chr3:58,508,987, plus strand): 5'-AACAGGCGTTCGTAGACGTTTCCATCATAACAGCCAAGTGCTGAATTTAAACACTGATCG[G>C]TGAAGTCAAAAGCATCAGTTAACAGGATGGCATCCTTCCTGGGATAGGAAACAAGAGTTT-3'
Protein context (NP_003491.1, residues 620-640): AILLTDAFDF[Thr630Ser]DQCLNSALGC

ClinVar aggregate classification (germline): Uncertain significance (1 of 4 stars; one submission).

gnomAD v4.1: 1 of 1,614,104 alleles (0.000062%); highest among the groups gnomAD compares: Admixed American, 0.0017%; no homozygotes.

Submission:

Labcorp Genetics (formerly Invitae), Labcorp
Classification: Uncertain significance. Last evaluated: 2025-05-07. Review status: criteria provided, single submitter. Criteria: Invitae Variant Classification Sherloc (09022015). Collection method: clinical testing. Allele origin: germline.
Comment: This sequence change replaces threonine, which is neutral and polar, with serine, which is neutral and polar, at codon 630 of the ACOX2 protein (p.Thr630Ser). This variant is not present in population databases (gnomAD no frequency). This variant has not been reported in the literature in individuals affected with ACOX2-related conditions. Invitae Evidence Modeling of protein sequence and biophysical properties (such as structural, functional, and spatial information, amino acid conservation, physicochemical variation, residue mobility, and thermodynamic stability) indicates that this missense variant is not expected to disrupt ACOX2 protein function with a negative predictive value of 80%. In summary, the available evidence is currently insufficient to determine the role of this variant in disease. Therefore, it has been classified as a Variant of Uncertain Significance.